The following is an entry in ClinVar:

NM_023110.3(FGFR1):c.505C>G (p.Pro169Ala)

Gene: FGFR1 (fibroblast growth factor receptor 1; minus strand). Cytogenetic location: 8p11.23.
Variant type: single nucleotide variant.
Coding change: c.505C>G on transcript NM_023110.3 (MANE Select); coding-DNA position 505, C replaced by G.
Protein change: p.Pro169Ala; replaces proline 169 with alanine.
Molecular consequence: missense variant.
Genome position (GRCh38, 1-based): chr8:38,428,037, G>C on the plus strand (C>G on the coding strand, the complement: FGFR1 is on the minus strand). VCF-style: chr8-38428037-G-C. GRCh37 (hg19) VCF-style: chr8-38285555-G-C.
Other names: c.505C>G, p.Pro169Ala (NM_001174063.2); c.481C>G, p.Pro161Ala (NM_001174064.2); c.499C>G, p.Pro167Ala (NM_001174065.2, NM_001354367.2, NM_001354369.2 and 2 more transcripts); c.238C>G, p.Pro80Ala (NM_001174066.2, NM_023105.3); c.598C>G, p.Pro200Ala (NM_001174067.2); c.232C>G, p.Pro78Ala (NM_001354368.2, NM_001354370.2, NM_023106.3); short protein forms P161A, P167A, P169A, P200A, P78A, P80A.
Identifiers: ClinVar variation 3383375 (VCV003383375.1).
Genomic context (GRCh38, chr8:38,428,037, plus strand): 5'-GCAGTGTGGGGTTTGGGGTCCCACTGGAAGGGCATTTGAACTTCACTGTCTTGGCAGCCG[G>C]CACTGCATGCAATTTCTTTTCCATCTTTTCTGGGGATGTCCAATATGGAGCTACGGCTGC-3'
Protein context (NP_075598.2, residues 159-179): EKMEKKLHAV[Pro169Ala]AAKTVKFKCP

ClinVar aggregate classification (germline): Uncertain significance (1 of 4 stars; one submission).

Conditions:
Hypogonadotropic hypogonadism 2 with or without anosmia (HH2). Also called: HYPOGONADOTROPIC HYPOGONADISM 2 WITHOUT ANOSMIA; HYPOGONADOTROPIC HYPOGONADISM 2 WITH OR WITHOUT ANOSMIA, SUSCEPTIBILITY TO; HYPOGONADOTROPIC HYPOGONADISM 2 WITHOUT ANOSMIA, SUSCEPTIBILITY TO; FGFR1-Related GnRH Deficiency (Kallmann Syndrome 2). Identifiers: Orphanet 478, MedGen C1563720, MONDO:0007844, OMIM 147950. Disease mechanism: loss of function.

Submission:

Diagnostics Services (NGS), CSIR - Centre For Cellular And Molecular Biology
Classification: Uncertain significance for Hypogonadotropic hypogonadism 2 with or without anosmia. Last evaluated: 2024-11-11. Review status: criteria provided, single submitter. Criteria: ACMG Guidelines, 2015. Collection method: clinical testing. Allele origin: unknown. Affected: yes. Observed: 1 variant allele, 1 heterozygote.
Comment: The c.505C>G variant is not present in publicly available population databases like 1000 Genomes, EVS, ExAC, gnomAD, Indian Exome Database or our in-house exome database. This variant has neither been published in literature with FGFR1-related conditions nor reported to the clinical databases like ClinVar, Human Gene Mutation Database (HGMD) or OMIM, in any affected individuals. In-silico pathogenicity prediction programs like SIFT, Polyphen-2, MutationTaster2, CADD, Varsome etc predicted this variant to be likely deleterious, however these predictions were not confirmed by published functional studies. This variant is located in a mutational hotspot region of the gene and a different amino acid change in the same codon (Pro169Leu) has been previously reported to the ClinVar database as ‘Uncertain significance’ (Accession: VCV001303081.8).